The following is an entry in ClinVar:

ClinVar aggregate classification (germline): Uncertain significance (1 of 4 stars; one submission).

Conditions:
Neurofibromatosis, type 1 (NF1). Also called: VON RECKLINGHAUSEN DISEASE; Peripheral type neurofibromatosis; Neurofibromatosis, type I; NEUROFIBROMATOSIS, TYPE I, SOMATIC. Identifiers: Orphanet 636, MedGen C0027831, MONDO:0018975, OMIM 162200. Disease mechanism: loss of function.

Submission:

Labcorp Genetics (formerly Invitae), Labcorp
Classification: Uncertain significance for Neurofibromatosis, type 1. Last evaluated: 2022-08-23. Review status: criteria provided, single submitter. Criteria: Invitae Variant Classification Sherloc (09022015). Collection method: clinical testing. Allele origin: germline.
Comment: In summary, the available evidence is currently insufficient to determine the role of this variant in disease. Therefore, it has been classified as a Variant of Uncertain Significance. Algorithms developed to predict the effect of missense changes on protein structure and function are either unavailable or do not agree on the potential impact of this missense change (SIFT: "Tolerated"; PolyPhen-2: "Probably Damaging"; Align-GVGD: "Class C0"). This variant has not been reported in the literature in individuals affected with NF1-related conditions. This variant is not present in population databases (gnomAD no frequency). This sequence change replaces threonine, which is neutral and polar, with serine, which is neutral and polar, at codon 2045 of the NF1 protein (p.Thr2045Ser).

NM_001042492.3(NF1):c.6196A>T (p.Thr2066Ser)

Gene: NF1 (neurofibromin 1; plus strand). Cytogenetic location: 17q11.2.
Variant type: single nucleotide variant.
Coding change: c.6196A>T on transcript NM_001042492.3 (MANE Select); coding-DNA position 6196, A replaced by T.
Protein change: p.Thr2066Ser; replaces threonine 2066 with serine.
Molecular consequence: missense variant.
Genome position (GRCh38, 1-based): chr17:31,336,683, A>T. VCF-style: chr17-31336683-A-T. GRCh37 (hg19) VCF-style: chr17-29663701-A-T.
Other names: c.6133A>T, p.Thr2045Ser (NM_000267.4); short protein forms T2045S, T2066S.
Identifiers: ClinVar variation 1983706 (VCV001983706.4), dbSNP rs1567616928, ClinGen allele CA399011845.
Genomic context (GRCh38, chr17:31,336,683, plus strand): 5'-GCTTCTTTACAGGTTATTGGAAGGATGTGCAAAATAATTGACAAGACATGCTTATCTCCA[A>T]CTCCTACTTTAGAACAACATCTTATGTGGGATGATATTGCTATTTTAGCACGCTACATGC-3'
Protein context (NP_001035957.1, residues 2056-2076): KIIDKTCLSP[Thr2066Ser]PTLEQHLMWD